The following is an entry in ClinVar:

ClinVar aggregate classification (germline): Uncertain significance (1 of 4 stars; one submission).

Allele frequency attached by ClinVar (database versions not stated): gnomAD exomes 0.00001.
gnomAD v4.1: 17 of 1,578,974 alleles (0.0011%); highest among the groups gnomAD compares: Non-Finnish European, 0.0015%; no homozygotes.

Submission:

Labcorp Genetics (formerly Invitae), Labcorp
Classification: Uncertain significance. Last evaluated: 2025-03-31. Review status: criteria provided, single submitter. Criteria: Invitae Variant Classification Sherloc (09022015). Collection method: clinical testing. Allele origin: germline.
Comment: This sequence change replaces proline, which is neutral and non-polar, with leucine, which is neutral and non-polar, at codon 475 of the C9 protein (p.Pro475Leu). This variant is not present in population databases (gnomAD no frequency). This variant has not been reported in the literature in individuals affected with C9-related conditions. ClinVar contains an entry for this variant (Variation ID: 1418364). Invitae Evidence Modeling of protein sequence and biophysical properties (such as structural, functional, and spatial information, amino acid conservation, physicochemical variation, residue mobility, and thermodynamic stability) indicates that this missense variant is expected to disrupt C9 protein function with a positive predictive value of 80%. In summary, the available evidence is currently insufficient to determine the role of this variant in disease. Therefore, it has been classified as a Variant of Uncertain Significance.

NM_001737.5(C9):c.1424C>T (p.Pro475Leu)

Gene: C9 (complement C9; minus strand). Cytogenetic location: 5p13.1.
Variant type: single nucleotide variant.
Coding change: c.1424C>T on transcript NM_001737.5 (MANE Select); coding-DNA position 1424, C replaced by T.
Protein change: p.Pro475Leu; replaces proline 475 with leucine.
Molecular consequence: missense variant.
Genome position (GRCh38, 1-based): chr5:39,288,944, G>A on the plus strand (C>T on the coding strand, the complement: C9 is on the minus strand). VCF-style: chr5-39288944-G-A. GRCh37 (hg19) VCF-style: chr5-39289046-G-A.
Other names: short protein forms P475L.
Identifiers: ClinVar variation 1418364 (VCV001418364.8), dbSNP rs2111836531, ClinGen allele CA359619520.